The following is an entry in ClinVar:

ClinVar aggregate classification (germline): Uncertain significance (1 of 4 stars; one submission).

Allele frequency attached by ClinVar (database versions not stated): TOPMed below 0.00001; gnomAD 0.00001.

Submission:

Labcorp Genetics (formerly Invitae), Labcorp
Classification: Uncertain significance. Last evaluated: 2022-09-25. Review status: criteria provided, single submitter. Criteria: Invitae Variant Classification Sherloc (09022015). Collection method: clinical testing. Allele origin: germline.
Comment: In summary, the available evidence is currently insufficient to determine the role of this variant in disease. Therefore, it has been classified as a Variant of Uncertain Significance. Advanced modeling of protein sequence and biophysical properties (such as structural, functional, and spatial information, amino acid conservation, physicochemical variation, residue mobility, and thermodynamic stability) performed at Invitae indicates that this missense variant is not expected to disrupt TUBB2A protein function. This variant has not been reported in the literature in individuals affected with TUBB2A-related conditions. This variant is not present in population databases (gnomAD no frequency). This sequence change replaces threonine, which is neutral and polar, with isoleucine, which is neutral and non-polar, at codon 214 of the TUBB2A protein (p.Thr214Ile).

NM_001069.3(TUBB2A):c.641C>T (p.Thr214Ile)

Gene: TUBB2A (tubulin beta 2A class IIa; minus strand). Cytogenetic location: 6p25.2.
Variant type: single nucleotide variant.
Coding change: c.641C>T on transcript NM_001069.3 (MANE Select); coding-DNA position 641, C replaced by T.
Protein change: p.Thr214Ile; replaces threonine 214 with isoleucine.
Molecular consequence: missense variant.
Genome position (GRCh38, 1-based): chr6:3,154,560, G>A on the plus strand (C>T on the coding strand, the complement: TUBB2A is on the minus strand). VCF-style: chr6-3154560-G-A. GRCh37 (hg19) VCF-style: chr6-3154794-G-A.
Other names: c.386C>T, p.Thr129Ile (NM_001310315.2); short protein forms T129I, T214I.
Identifiers: ClinVar variation 1720369 (VCV001720369.5), dbSNP rs1762599981, ClinGen allele CA362592277.
Genomic context (GRCh38, chr6:3,154,560, plus strand): 5'-CTCATGGTGGCCGACACCAGGTGGTTGAGGTCCCCGTAGGTGGGGGTGGTCAGCTTCAGG[G>A]TGCGGAAGCAGATGTCATACAGGGCCTCGTTATCAATGGAGTAGGTTTCATCTGTGTTTT-3'
Protein context (NP_001060.1, residues 204-224): NEALYDICFR[Thr214Ile]LKLTTPTYGD